The following is an entry in ClinVar:

NM_001355436.2(SPTB):c.3854A>C (p.Glu1285Ala)

Gene: SPTB (spectrin beta, erythrocytic; minus strand). Cytogenetic location: 14q23.3.
Variant type: single nucleotide variant.
Coding change: c.3854A>C on transcript NM_001355436.2 (MANE Select); coding-DNA position 3854, A replaced by C.
Protein change: p.Glu1285Ala; replaces glutamic acid 1285 with alanine.
Molecular consequence: missense variant.
Genome position (GRCh38, 1-based): chr14:64,785,538, T>G on the plus strand (A>C on the coding strand, the complement: SPTB is on the minus strand). VCF-style: chr14-64785538-T-G. GRCh37 (hg19) VCF-style: chr14-65252256-T-G.
Other names: c.3854A>C, p.Glu1285Ala (NM_001024858.4, NM_001355437.2); short protein forms E1285A.
Identifiers: ClinVar variation 3234958 (VCV003234958.1), dbSNP rs745845637, ClinGen allele CA7230486.

ClinVar aggregate classification (germline): Uncertain significance (1 of 4 stars; one submission).

Conditions:
Hereditary spherocytosis type 2. Also called: SPHEROCYTOSIS, TYPE 2, AUTOSOMAL DOMINANT. Identifiers: Orphanet 822, MedGen C2674219, MONDO:0000913, OMIM 616649.

Allele frequency attached by ClinVar (database versions not stated): ExAC 0.00001; gnomAD exomes 0.00001.
gnomAD v4.1: 8 of 1,612,326 alleles (0.0005%); highest among the groups gnomAD compares: South Asian, 0.0088%; no homozygotes.

Submission:

Neuberg Centre For Genomic Medicine, NCGM
Classification: Uncertain significance for Hereditary spherocytosis type 2. Review status: criteria provided, single submitter. Criteria: ACMG Guidelines, 2015. Collection method: clinical testing. Allele origin: germline. Inheritance: Autosomal dominant inheritance. Affected: yes.
Comment: The missense c.3854A>Cp.Glu1285Ala variant in SPTB gene has not been reported previously as a pathogenic variant nor as a benign variant, to our knowledge. The variant is reported with an allele frequency of 0.0004% in the gnomAD exomes database and is novel not in any individuals in 1000 Genomes database. This variant has not been reported to the ClinVar database. The amino acid change p.Glu1285Ala in SPTB is predicted as conserved by GERP++ and PhyloP across 100 vertebrates. The amino acid Glu at position 1285 is changed to a Ala changing protein sequence and it might alter its composition and physico-chemical properties. For these reasons, this variant has been classified as Variant of Uncertain Significance VUS.